The following is an entry in ClinVar:

NM_004415.4(DSP):c.5315A>G (p.Asp1772Gly)

Gene: DSP (desmoplakin; plus strand). Cytogenetic location: 6p24.3.
Variant type: single nucleotide variant.
Coding change: c.5315A>G on transcript NM_004415.4 (MANE Select); coding-DNA position 5315, A replaced by G.
Protein change: p.Asp1772Gly; replaces aspartic acid 1772 with glycine.
Molecular consequence: missense variant. On other transcripts: intron variant (2).
Genome position (GRCh38, 1-based): chr6:7,581,505, A>G. VCF-style: chr6-7581505-A-G. GRCh37 (hg19) VCF-style: chr6-7581738-A-G.
Other names: c.4051-1137A>G (NM_001319034.2); c.3583-1137A>G (NM_001008844.3); short protein forms D1772G.
Identifiers: ClinVar variation 919082 (VCV000919082.3), dbSNP rs1759440895, ClinGen allele CA362688323.

ClinVar aggregate classification (germline): Uncertain significance (1 of 4 stars; one submission).

Conditions:
Cardiomyopathy (CMYO). Also called: Cardiomyopathies. Identifiers: Orphanet 167848, MedGen C0878544, MONDO:0004994, HP:0001638. Inheritance: Various modes of inheritance.

Allele frequency attached by ClinVar (database versions not stated): gnomAD exomes below 0.00001.
gnomAD v4.1: 1 of 1,614,116 alleles (0.000062%); highest among the groups gnomAD compares: Non-Finnish European, 0.000085%; no homozygotes.

Submission:

Color Diagnostics, LLC DBA Color Health
Classification: Uncertain significance for Cardiomyopathy. Last evaluated: 2019-12-03. Review status: criteria provided, single submitter. Criteria: ACMG Guidelines, 2015. Collection method: clinical testing. Allele origin: germline.
Comment: This missense variant replaces aspartic acid with glycine at codon 1772 of the DSP protein. Computational prediction tool suggests that this variant may not impact protein structure and function (internally defined REVEL score threshold ≤0.5, PMID: 27666373). Splice site prediction tools suggest that this variant may not impact RNA splicing. To our knowledge, functional studies have not been performed for this variant. This variant has not been reported in individuals affected with cardiovascular disorders in the literature. This variant has not been identified in the general population by the Genome Aggregation Database (gnomAD). The available evidence is insufficient to determine the role of this variant in disease conclusively. Therefore, this variant is classified as a Variant of Uncertain Significance.